The following is an entry in ClinVar:

ClinVar aggregate classification (germline): Likely pathogenic (1 of 4 stars; one submission).

Conditions:
Autosomal recessive polycystic kidney disease (ARPKD). Also called: AR polycystic kidney disease. Identifiers: Orphanet 731, Orphanet 8378, MedGen C0085548, MeSH D017044, MONDO:0009889.

Submission:

Labcorp Genetics (formerly Invitae), Labcorp
Classification: Likely pathogenic for Autosomal recessive polycystic kidney disease. Last evaluated: 2020-12-24. Review status: criteria provided, single submitter. Criteria: Invitae Variant Classification Sherloc (09022015). Collection method: clinical testing. Allele origin: germline.
Comment: This sequence change affects an acceptor splice site in intron 21 of the PKHD1 gene. It is expected to disrupt RNA splicing. Variants that disrupt the donor or acceptor splice site typically lead to a loss of protein function (PMID: 16199547), and loss-of-function variants in PKHD1 are known to be pathogenic (PMID: 19940839). This variant is not present in population databases (ExAC no frequency). Disruption of this splice site has been observed in individual(s) with polycystic kidney disease (PMID: 19940839). Algorithms developed to predict the effect of sequence changes on RNA splicing suggest that this variant may disrupt the consensus splice site, but this prediction has not been confirmed by published transcriptional studies. In summary, the currently available evidence indicates that the variant is pathogenic, but additional data are needed to prove that conclusively. Therefore, this variant has been classified as Likely Pathogenic.

Literature cited by the submitters: PubMed 16199547; PubMed 19940839.

NM_138694.4(PKHD1):c.2141-1G>A

Gene: PKHD1 (PKHD1 ciliary IPT domain containing fibrocystin/polyductin; minus strand). Cytogenetic location: 6p12.2.
Variant type: single nucleotide variant.
Coding change: c.2141-1G>A on transcript NM_138694.4 (MANE Select); the canonical splice acceptor site of the intron before coding-DNA position 2141, G replaced by A.
Molecular consequence: splice acceptor variant.
Genome position (GRCh38, 1-based): chr6:52,050,296, C>T on the plus strand (G>A on the coding strand, the complement: PKHD1 is on the minus strand). VCF-style: chr6-52050296-C-T. GRCh37 (hg19) VCF-style: chr6-51915094-C-T.
Other names: c.2141-1G>A (NM_170724.3).
Identifiers: ClinVar variation 1503248 (VCV001503248.8), dbSNP rs2128197058, ClinGen allele CA364443954.